The following is an entry in ClinVar:

ClinVar aggregate classification (germline): Benign/Likely benign. Review status: criteria provided, multiple submitters, no conflicts (2 of 4 stars). 3 submissions from 3 submitters: Benign (1); Likely benign (2). Last evaluated 2025-11-17.

Allele frequency attached by ClinVar (database versions not stated): gnomAD exomes 0.00031 and 0.00073; ExAC 0.00088; 1000 Genomes Project 0.00180; 1000 Genomes Project 30x 0.00203; gnomAD 0.00328 and 0.00354; TOPMed 0.00342; ESP Exome Variant Server 0.00446.
gnomAD v4.1: 941 of 1,614,224 alleles (0.058%); highest among the groups gnomAD compares: African/African-American, 1.2%; 6 homozygotes.

Submissions (3):

Labcorp Genetics (formerly Invitae), Labcorp
Classification: Benign. Last evaluated: 2025-11-17. Review status: criteria provided, single submitter. Criteria: Invitae Variant Classification Sherloc (09022015). Collection method: clinical testing. Allele origin: germline.

GeneDx
Classification: Likely benign. Last evaluated: 2017-03-22. Review status: criteria provided, single submitter. Criteria: GeneDx Variant Classification (06012015). Collection method: clinical testing. Allele origin: germline. Affected: yes.
Comment: This variant is considered likely benign or benign based on one or more of the following criteria: it is a conservative change, it occurs at a poorly conserved position in the protein, it is predicted to be benign by multiple in silico algorithms, and/or has population frequency not consistent with disease.

Breakthrough Genomics
Classification: Likely benign. Review status: criteria provided, single submitter. Criteria: ACMG Guidelines, 2015. Collection method: not provided. Allele origin: germline. Inheritance: Autosomal recessive inheritance. Affected: yes.

NM_001059.3(TACR3):c.294G>C (p.Val98=)

Gene: TACR3 (tachykinin receptor 3; minus strand). Cytogenetic location: 4q24.
Variant type: single nucleotide variant.
Coding change: c.294G>C on transcript NM_001059.3 (MANE Select); coding-DNA position 294, G replaced by C.
Protein change: p.Val98=; no amino-acid change (valine 98 retained).
Molecular consequence: synonymous variant.
Genome position (GRCh38, 1-based): chr4:103,719,382, C>G on the plus strand (G>C on the coding strand, the complement: TACR3 is on the minus strand). VCF-style: chr4-103719382-C-G. GRCh37 (hg19) VCF-style: chr4-104640539-C-G.
Identifiers: ClinVar variation 516931 (VCV000516931.9), dbSNP rs146498209, ClinGen allele CA3031153.